The following is an entry in ClinVar:

NM_001003787.4(STRADA):c.365C>G (p.Ser122Cys)

Gene: STRADA (STE20 related adaptor alpha; minus strand). Cytogenetic location: 17q23.3.
Variant type: single nucleotide variant.
Coding change: c.365C>G on transcript NM_001003787.4 (MANE Select); coding-DNA position 365, C replaced by G.
Protein change: p.Ser122Cys; replaces serine 122 with cysteine.
Molecular consequence: missense variant. On other transcripts: non-coding transcript variant (1).
Genome position (GRCh38, 1-based): chr17:63,710,820, G>C on the plus strand (C>G on the coding strand, the complement: STRADA is on the minus strand). VCF-style: chr17-63710820-G-C. GRCh37 (hg19) VCF-style: chr17-61788180-G-C.
Other names: c.254C>G, p.Ser85Cys (NM_001003786.3, NM_001363789.1, NM_153335.6); c.191C>G, p.Ser64Cys (NM_001003788.3, NM_001363790.1, NM_001363791.1); c.278C>G, p.Ser93Cys (NM_001165969.2, NM_001363787.1, NM_001411084.1); c.233C>G, p.Ser78Cys (NM_001165970.2); c.341C>G, p.Ser114Cys (NM_001363786.1); c.365C>G, p.Ser122Cys (NM_001363788.1, NM_001411083.1, NM_001411085.1); short protein forms S93C, S114C, S78C, S85C, S122C, S64C.
Identifiers: ClinVar variation 2095523 (VCV002095523.4), dbSNP rs2511103882, ClinGen allele CA400593159.
Genomic context (GRCh38, chr17:63,710,820, plus strand): 5'-TCATTGTCTGCAATAAAAGTGGCTCGATATGGCACGATATTGGGATGGTTGAAGAGTTTG[G>C]AGACATGCAGCTCGCCCTGGAAGCAATGATGAAGCTGAAGTCAGAACCAAATGGCACTGA-3'
Protein context (NP_001003787.1, residues 112-132): VTFLQGELHV[Ser122Cys]KLFNHPNIVP

ClinVar aggregate classification (germline): Uncertain significance (1 of 4 stars; one submission).

Conditions:
Polyhydramnios, megalencephaly, and symptomatic epilepsy (PMSE). Also called: PMSE SYNDROME. Identifiers: Orphanet 500533, MedGen C1970203, MONDO:0012611, OMIM 611087.

Submission:

Labcorp Genetics (formerly Invitae), Labcorp
Classification: Uncertain significance for Polyhydramnios, megalencephaly, and symptomatic epilepsy. Last evaluated: 2022-11-15. Review status: criteria provided, single submitter. Criteria: Invitae Variant Classification Sherloc (09022015). Collection method: clinical testing. Allele origin: germline.
Comment: This variant has not been reported in the literature in individuals affected with STRADA-related conditions. Algorithms developed to predict the effect of missense changes on protein structure and function are either unavailable or do not agree on the potential impact of this missense change (SIFT: "Tolerated"; PolyPhen-2: "Possibly Damaging"; Align-GVGD: "Class C15"). In summary, the available evidence is currently insufficient to determine the role of this variant in disease. Therefore, it has been classified as a Variant of Uncertain Significance. This sequence change replaces serine, which is neutral and polar, with cysteine, which is neutral and slightly polar, at codon 122 of the STRADA protein (p.Ser122Cys). This variant is not present in population databases (gnomAD no frequency).